The following is an entry in ClinVar:

NM_000069.3(CACNA1S):c.1415T>C (p.Leu472Pro)

Gene: CACNA1S (calcium voltage-gated channel subunit alpha1 S; minus strand). Cytogenetic location: 1q32.1.
Variant type: single nucleotide variant.
Coding change: c.1415T>C on transcript NM_000069.3 (MANE Select); coding-DNA position 1415, T replaced by C.
Protein change: p.Leu472Pro; replaces leucine 472 with proline.
Molecular consequence: missense variant.
Genome position (GRCh38, 1-based): chr1:201,078,083, A>G on the plus strand (T>C on the coding strand, the complement: CACNA1S is on the minus strand). VCF-style: chr1-201078083-A-G. GRCh37 (hg19) VCF-style: chr1-201047211-A-G.
Other names: short protein forms L472P.
Identifiers: ClinVar variation 4087956 (VCV004087956.1).

ClinVar aggregate classification (germline): Uncertain significance (1 of 4 stars; one submission).

gnomAD v4.1: 1 of 1,614,168 alleles (0.000062%); highest among the groups gnomAD compares: African/African-American, 0.0013%; no homozygotes.

Submission:

GeneDx
Classification: Uncertain significance. Last evaluated: 2025-03-26. Review status: criteria provided, single submitter. Criteria: GeneDx Variant Classification Process June 2021. Collection method: clinical testing. Allele origin: germline. Affected: yes.
Comment: Not observed at significant frequency in large population cohorts (gnomAD); In silico analysis supports that this missense variant has a deleterious effect on protein structure/function; Has not been previously published as pathogenic or benign to our knowledge